The following is an entry in ClinVar:

ClinVar aggregate classification (germline): Conflicting classifications of pathogenicity. Review status: criteria provided, conflicting classifications (1 of 4 stars). 4 submissions from 4 submitters: Uncertain significance (1); Likely benign (3). Last evaluated 2025-12-23.

Conditions:
Cardiovascular phenotype. Identifiers: MedGen CN230736.
Spinocerebellar ataxia type 19/22 (SCA19). Also called: SPINOCEREBELLAR ATAXIA 22; SPINOCEREBELLAR ATAXIA 19. Identifiers: Orphanet 98772, MedGen C1846367, MONDO:0011819, OMIM 607346.

Allele frequency attached by ClinVar (database versions not stated): ExAC 0.00003; gnomAD exomes 0.00006 and 0.00010; gnomAD 0.00007; TOPMed 0.00008.
gnomAD v4.1: 159 of 1,613,880 alleles (0.0099%); highest among the groups gnomAD compares: Non-Finnish European, 0.012%; no homozygotes.

Submissions (4):

GeneDx
Classification: Uncertain significance. Last evaluated: 2025-12-23. Review status: criteria provided, single submitter. Criteria: GeneDx Variant Classification Process June 2021. Collection method: clinical testing. Allele origin: germline. Affected: yes.
Comment: In silico analysis suggests that this missense variant does not alter protein structure/function; Has not been previously published as pathogenic or benign to our knowledge

Athena Diagnostics
Classification: Likely benign. Last evaluated: 2025-10-27. Review status: criteria provided, single submitter. Criteria: Athena Diagnostics Criteria. Collection method: clinical testing. Allele origin: unknown.
Comment: The frequency of this variant in the general population is higher than would generally be expected for pathogenic variants in this gene. Computational tools predict this amino acid change may be benign.

Labcorp Genetics (formerly Invitae), Labcorp
Classification: Likely benign for Spinocerebellar ataxia type 19/22. Last evaluated: 2025-07-14. Review status: criteria provided, single submitter. Criteria: Invitae Variant Classification Sherloc (09022015). Collection method: clinical testing. Allele origin: germline.

Ambry Genetics
Classification: Likely benign for Cardiovascular phenotype. Last evaluated: 2024-02-26. Review status: criteria provided, single submitter. Criteria: Ambry Variant Classification Scheme 2023. Collection method: clinical testing. Allele origin: germline.

NM_001378969.1(KCND3):c.1703G>A (p.Arg568His)

Gene: KCND3 (potassium voltage-gated channel subfamily D member 3; minus strand). Cytogenetic location: 1p13.2.
Variant type: single nucleotide variant.
Coding change: c.1703G>A on transcript NM_001378969.1 (MANE Select); coding-DNA position 1703, G replaced by A.
Protein change: p.Arg568His; replaces arginine 568 with histidine.
Molecular consequence: missense variant.
Genome position (GRCh38, 1-based): chr1:111,777,089, C>T on the plus strand (G>A on the coding strand, the complement: KCND3 is on the minus strand). VCF-style: chr1-111777089-C-T. GRCh37 (hg19) VCF-style: chr1-112319711-C-T.
Other names: c.1646G>A, p.Arg549His (NM_001378970.1, NM_172198.3); c.1703G>A, p.Arg568His (NM_004980.5); short protein forms R568H, R549H.
Identifiers: ClinVar variation 533722 (VCV000533722.19), dbSNP rs200212002, ClinGen allele CA1007369.